The following is an entry in ClinVar:

NM_001350451.2(RBFOX3):c.35C>T (p.Pro12Leu)

Gene: RBFOX3 (RNA binding fox-1 homolog 3; minus strand). Cytogenetic location: 17q25.3.
Variant type: single nucleotide variant.
Coding change: c.35C>T on transcript NM_001350451.2 (MANE Select); coding-DNA position 35, C replaced by T.
Protein change: p.Pro12Leu; replaces proline 12 with leucine.
Molecular consequence: missense variant.
Genome position (GRCh38, 1-based): chr17:79,115,681, G>A on the plus strand (C>T on the coding strand, the complement: RBFOX3 is on the minus strand). VCF-style: chr17-79115681-G-A. GRCh37 (hg19) VCF-style: chr17-77111763-G-A.
Other names: c.35C>T, p.Pro12Leu (NM_001082575.3, NM_001350453.2, NM_001385804.1 and 43 more transcripts); c.35C>T (NM_001082575.1); short protein forms P12L.
Identifiers: ClinVar variation 1509704 (VCV001509704.7), dbSNP rs1403085500, ClinGen allele CA401318231.

ClinVar aggregate classification (germline): Uncertain significance. Review status: criteria provided, multiple submitters, no conflicts (2 of 4 stars). 2 submissions from 2 submitters: Uncertain significance (2). Last evaluated 2023-07-17.

Conditions:
Idiopathic generalized epilepsy. Also called: Generalised epilepsy; EIG. Identifiers: MedGen C0270850, MONDO:0005579, OMIM 600669.

Submissions (2):

Labcorp Genetics (formerly Invitae), Labcorp
Classification: Uncertain significance for Idiopathic generalized epilepsy. Last evaluated: 2023-07-17. Review status: criteria provided, single submitter. Criteria: Invitae Variant Classification Sherloc (09022015). Collection method: clinical testing. Allele origin: germline.
Comment: This variant has not been reported in the literature in individuals affected with RBFOX3-related conditions. ClinVar contains an entry for this variant (Variation ID: 1509704). Experimental studies and prediction algorithms are not available or were not evaluated, and the functional significance of this variant is currently unknown. In summary, the available evidence is currently insufficient to determine the role of this variant in disease. Therefore, it has been classified as a Variant of Uncertain Significance. This variant is not present in population databases (gnomAD no frequency). This sequence change replaces proline, which is neutral and non-polar, with leucine, which is neutral and non-polar, at codon 12 of the RBFOX3 protein (p.Pro12Leu).

Ambry Genetics
Classification: Uncertain significance. Last evaluated: 2022-12-01. Review status: criteria provided, single submitter. Criteria: Ambry Variant Classification Scheme 2023. Collection method: clinical testing. Allele origin: germline.